The following is an entry in ClinVar:

ClinVar aggregate classification (germline): Uncertain significance. Review status: criteria provided, multiple submitters, no conflicts (2 of 4 stars). 2 submissions from 2 submitters: Uncertain significance (2). Last evaluated 2024-11-20.

Allele frequency attached by ClinVar (database versions not stated): gnomAD 0.00001; gnomAD exomes 0.00001 and 0.00002; ExAC 0.00002; 1000 Genomes Project 30x 0.00016; 1000 Genomes Project 0.00020.

Submissions (2):

GeneDx
Classification: Uncertain significance. Last evaluated: 2024-11-20. Review status: criteria provided, single submitter. Criteria: GeneDx Variant Classification Process June 2021. Collection method: clinical testing. Allele origin: germline. Affected: yes.
Comment: Not observed at significant frequency in large population cohorts (gnomAD); In silico analysis indicates that this missense variant does not alter protein structure/function; Has not been previously published as pathogenic or benign to our knowledge

Labcorp Genetics (formerly Invitae), Labcorp
Classification: Uncertain significance. Last evaluated: 2022-03-29. Review status: criteria provided, single submitter. Criteria: Invitae Variant Classification Sherloc (09022015). Collection method: clinical testing. Allele origin: germline.
Comment: This sequence change replaces valine, which is neutral and non-polar, with isoleucine, which is neutral and non-polar, at codon 144 of the ABHD12 protein (p.Val144Ile). The frequency data for this variant in the population databases is considered unreliable, as metrics indicate poor data quality at this position in the gnomAD database. This variant has not been reported in the literature in individuals affected with ABHD12-related conditions. ClinVar contains an entry for this variant (Variation ID: 1211809). Algorithms developed to predict the effect of missense changes on protein structure and function output the following: SIFT: "Tolerated"; PolyPhen-2: "Benign"; Align-GVGD: "Class C0". The isoleucine amino acid residue is found in multiple mammalian species, which suggests that this missense change does not adversely affect protein function. In summary, the available evidence is currently insufficient to determine the role of this variant in disease. Therefore, it has been classified as a Variant of Uncertain Significance.

NM_001042472.3(ABHD12):c.430G>A (p.Val144Ile)

Gene: ABHD12 (abhydrolase domain containing 12, lysophospholipase; minus strand). Cytogenetic location: 20p11.21.
Variant type: single nucleotide variant.
Coding change: c.430G>A on transcript NM_001042472.3 (MANE Select); coding-DNA position 430, G replaced by A.
Protein change: p.Val144Ile; replaces valine 144 with isoleucine.
Molecular consequence: missense variant.
Genome position (GRCh38, 1-based): chr20:25,320,311, C>T on the plus strand (G>A on the coding strand, the complement: ABHD12 is on the minus strand). VCF-style: chr20-25320311-C-T. GRCh37 (hg19) VCF-style: chr20-25300947-C-T.
Other names: c.430G>A, p.Val144Ile (NM_015600.5); short protein forms V144I.
Identifiers: ClinVar variation 1211809 (VCV001211809.7), dbSNP rs535070738, ClinGen allele CA9796143.